The following is an entry in ClinVar:

Conditions:
Long QT syndrome 5 (LQT5). Identifiers: Orphanet 101016, Orphanet 768, MedGen C1867904, MONDO:0013372, OMIM 613695.

Submission:

Roden Lab, Vanderbilt University Medical Center
No classification provided (evidence only). Condition: Long QT syndrome 5. Review status: no classification provided. Collection method: in vitro. Allele origin: not applicable. Functional consequence: Effect on ion channel function.
ClinVar note: "not provided" was previously submitted as the classification for the variant. However, the classification appeared to be based only on an observation of functional data so it was converted to no classification on 2025-07-30.

NM_000219.6(KCNE1):c.223A>G (p.Asn75Asp)

Gene: KCNE1 (potassium voltage-gated channel subfamily E regulatory subunit 1; minus strand). Cytogenetic location: 21q22.12.
Variant type: single nucleotide variant.
Coding change: c.223A>G on transcript NM_000219.6 (MANE Select); coding-DNA position 223, A replaced by G.
Protein change: p.Asn75Asp; replaces asparagine 75 with aspartic acid.
Molecular consequence: missense variant.
Genome position (GRCh38, 1-based): chr21:34,449,412, T>C on the plus strand (A>G on the coding strand, the complement: KCNE1 is on the minus strand). VCF-style: chr21-34449412-T-C. GRCh37 (hg19) VCF-style: chr21-35821710-T-C.
Other names: c.223A>G, p.Asn75Asp (NM_001127668.4, NM_001127669.4, NM_001127670.4 and 4 more transcripts); short protein forms N75D.
Identifiers: ClinVar variation 3374366 (VCV003374366.2).